The following is an entry in ClinVar:

NM_147127.5(EVC2):c.1994A>T (p.Lys665Ile)

Gene: EVC2 (EvC ciliary complex subunit 2; minus strand). Cytogenetic location: 4p16.2.
Variant type: single nucleotide variant.
Coding change: c.1994A>T on transcript NM_147127.5 (MANE Select); coding-DNA position 1994, A replaced by T.
Protein change: p.Lys665Ile; replaces lysine 665 with isoleucine.
Molecular consequence: missense variant.
Genome position (GRCh38, 1-based): chr4:5,625,801, T>A on the plus strand (A>T on the coding strand, the complement: EVC2 is on the minus strand). VCF-style: chr4-5625801-T-A. GRCh37 (hg19) VCF-style: chr4-5627528-T-A.
Other names: c.1754A>T, p.Lys585Ile (NM_001166136.2); short protein forms K585I, K665I.
Identifiers: ClinVar variation 1938426 (VCV001938426.2), dbSNP rs769629928, ClinGen allele CA2834870.

ClinVar aggregate classification (germline): Uncertain significance (1 of 4 stars; one submission).

Conditions:
Ellis-van Creveld syndrome (EVC). Also called: EVC-Related Ellis-van Creveld Syndrome; EVC2-Related Ellis-van Creveld Syndrome; Chondroectodermal dysplasia; MESOECTODERMAL DYSPLASIA. Identifiers: Orphanet 289, MedGen C0013903, MONDO:0009162, OMIM 225500.
Curry-Hall syndrome (WAD). Also called: WEYERS ACRODENTAL DYSOSTOSIS. Identifiers: Orphanet 952, MedGen C0457013, MONDO:0008673, OMIM 193530.

Allele frequency attached by ClinVar (database versions not stated): TOPMed below 0.00001; ExAC 0.00001.
gnomAD v4.1: 2 of 1,614,180 alleles (0.00012%); highest among the groups gnomAD compares: Non-Finnish European, 0.00017%; no homozygotes.

Submission:

Labcorp Genetics (formerly Invitae), Labcorp
Classification: Uncertain significance for Curry-Hall syndrome; Ellis-van Creveld syndrome. Last evaluated: 2022-07-06. Review status: criteria provided, single submitter. Criteria: Invitae Variant Classification Sherloc (09022015). Collection method: clinical testing. Allele origin: germline.
Comment: This sequence change replaces lysine, which is basic and polar, with isoleucine, which is neutral and non-polar, at codon 665 of the EVC2 protein (p.Lys665Ile). This variant is present in population databases (rs769629928, gnomAD 0.0009%). This variant has not been reported in the literature in individuals affected with EVC2-related conditions. Algorithms developed to predict the effect of missense changes on protein structure and function are either unavailable or do not agree on the potential impact of this missense change (SIFT: "Deleterious"; PolyPhen-2: "Probably Damaging"; Align-GVGD: "Class C15"). In summary, the available evidence is currently insufficient to determine the role of this variant in disease. Therefore, it has been classified as a Variant of Uncertain Significance.